The following is an entry in ClinVar:

NM_000528.4(MAN2B1):c.334C>T (p.Pro112Ser)

Gene: MAN2B1 (mannosidase alpha class 2B member 1; minus strand). Cytogenetic location: 19p13.13.
Variant type: single nucleotide variant.
Coding change: c.334C>T on transcript NM_000528.4 (MANE Select); coding-DNA position 334, C replaced by T.
Protein change: p.Pro112Ser; replaces proline 112 with serine.
Molecular consequence: missense variant.
Genome position (GRCh38, 1-based): chr19:12,665,454, G>A on the plus strand (C>T on the coding strand, the complement: MAN2B1 is on the minus strand). VCF-style: chr19-12665454-G-A. GRCh37 (hg19) VCF-style: chr19-12776268-G-A.
Other names: c.334C>T, p.Pro112Ser (NM_001173498.2); c.334C>T (NM_000528.3); short protein forms P112S.
Identifiers: ClinVar variation 1387740 (VCV001387740.5), dbSNP rs1312728452, ClinGen allele CA404256846.

ClinVar aggregate classification (germline): Uncertain significance. Review status: criteria provided, single submitter (1 of 4 stars). 2 submissions from 2 submitters: Uncertain significance (1). 1 of the submissions does not count toward it. Last evaluated 2022-11-01.

Conditions:
Deficiency of alpha-mannosidase (MANSA). Also called: Alpha-Mannosidosis; Mannosidosis, alpha-, types I and II; LYSOSOMAL ALPHA-D-MANNOSIDASE DEFICIENCY. Identifiers: Orphanet 61, MedGen C0024748, MONDO:0009561, OMIM 248500.

Allele frequency attached by ClinVar (database versions not stated): gnomAD exomes below 0.00001; gnomAD 0.00001.
gnomAD v4.1: 4 of 1,613,980 alleles (0.00025%); highest among the groups gnomAD compares: African/African-American, 0.004%; no homozygotes.

Submissions (2):

Labcorp Genetics (formerly Invitae), Labcorp
Classification: Uncertain significance for Deficiency of alpha-mannosidase. Last evaluated: 2022-11-01. Review status: criteria provided, single submitter. Criteria: Invitae Variant Classification Sherloc (09022015). Collection method: clinical testing. Allele origin: germline.
Comment: Advanced modeling of protein sequence and biophysical properties (such as structural, functional, and spatial information, amino acid conservation, physicochemical variation, residue mobility, and thermodynamic stability) performed at Invitae indicates that this missense variant is not expected to disrupt MAN2B1 protein function. In summary, the available evidence is currently insufficient to determine the role of this variant in disease. Therefore, it has been classified as a Variant of Uncertain Significance. ClinVar contains an entry for this variant (Variation ID: 1387740). This variant has not been reported in the literature in individuals affected with MAN2B1-related conditions. This variant is present in population databases (no rsID available, gnomAD 0.01%). This sequence change replaces proline, which is neutral and non-polar, with serine, which is neutral and polar, at codon 112 of the MAN2B1 protein (p.Pro112Ser).

Natera, Inc.
Classification: Uncertain significance for Alpha-mannosidosis. Last evaluated: 2025-01-27. Review status: no assertion criteria provided. Collection method: clinical testing. Allele origin: germline. Not counted in ClinVar's aggregate classification.